The following is an entry in ClinVar:

ClinVar aggregate classification (germline): Conflicting classifications of pathogenicity. Review status: criteria provided, conflicting classifications (1 of 4 stars). 3 submissions from 3 submitters: Likely pathogenic (1); Uncertain significance (2). Last evaluated 2025-06-03.

Conditions:
Hereditary spastic paraplegia 46. Also called: Spastic paraplegia 46, autosomal recessive. Identifiers: Orphanet 320391, MedGen C2828721, MONDO:0013737, OMIM 614409.
Developmental and epileptic encephalopathy, 33 (DEE33). Also called: Epileptic encephalopathy, early infantile, 33. Identifiers: Orphanet 442835, MedGen C4225337, MONDO:0014625, OMIM 616409.

Submissions (3):

Dasa
Classification: Uncertain significance. Last evaluated: 2025-06-03. Review status: criteria provided, single submitter. Criteria: DASA Assertion Criteria. Collection method: clinical testing. Allele origin: germline.
Comment: NM_001958.5(EEF1A2):c.305T>C (p.Met102Thr) is a missense variant that results in the substitution of methionine with threonine. The affected residue or protein region has prior evidence supporting clinical relevance. This variant is absent from population databases. Computational prediction algorithms are consistent with a deleterious effect. The currently available literature and clinical evidence are not sufficient to establish a definitive association between this variant and the reported condition. Therefore, this variant is classified as a variant of uncertain significance.

Labcorp Genetics (formerly Invitae), Labcorp
Classification: Uncertain significance for Developmental and epileptic encephalopathy, 33. Last evaluated: 2021-08-28. Review status: criteria provided, single submitter. Criteria: Invitae Variant Classification Sherloc (09022015). Collection method: clinical testing. Allele origin: germline.

Laboratoire de Génétique Moléculaire, CHU Bordeaux
Classification: Likely pathogenic for Hereditary spastic paraplegia 46. Last evaluated: 2020-01-07. Review status: criteria provided, single submitter. Criteria: ACMG Guidelines, 2015. Collection method: clinical testing. Allele origin: germline. Affected: yes.

NM_001958.5(EEF1A2):c.305T>C (p.Met102Thr)

Gene: EEF1A2 (eukaryotic translation elongation factor 1 alpha 2; minus strand). Cytogenetic location: 20q13.33.
Variant type: single nucleotide variant.
Coding change: c.305T>C on transcript NM_001958.5 (MANE Select); coding-DNA position 305, T replaced by C.
Protein change: p.Met102Thr; replaces methionine 102 with threonine.
Molecular consequence: missense variant.
Genome position (GRCh38, 1-based): chr20:63,495,875, A>G on the plus strand (T>C on the coding strand, the complement: EEF1A2 is on the minus strand). VCF-style: chr20-63495875-A-G. GRCh37 (hg19) VCF-style: chr20-62127228-A-G.
Other names: c.305T>C (NM_001958.3); short protein forms M102T.
Identifiers: ClinVar variation 999107 (VCV000999107.7), dbSNP rs2082414008, ClinGen allele CA409651226.